The following is an entry in ClinVar:

ClinVar aggregate classification (germline): Uncertain significance (1 of 4 stars; one submission).

Conditions:
Early-infantile DEE. Also called: Ohtahara syndrome; Early infantile epileptic encephalopathy; Early infantile epileptic encephalopathy with suppression bursts. Identifiers: Orphanet 1934, MedGen C0393706, MONDO:0800491.

Allele frequency attached by ClinVar (database versions not stated): TOPMed 0.00002; gnomAD 0.00001.

Submission:

Labcorp Genetics (formerly Invitae), Labcorp
Classification: Uncertain significance for Early-infantile DEE. Last evaluated: 2024-05-15. Review status: criteria provided, single submitter. Criteria: Invitae Variant Classification Sherloc (09022015). Collection method: clinical testing. Allele origin: germline.
Comment: This sequence change falls in intron 20 of the SCN1A gene. It does not directly change the encoded amino acid sequence of the SCN1A protein. However, this sequence change falls within a region encompassing a cryptic exon in the SCN1A gene, in which variants have been shown to alter splicing (PMID: 30526861, 34107977). This variant is not present in population databases (gnomAD no frequency). This variant has not been reported in the literature in individuals affected with SCN1A-related conditions. ClinVar contains an entry for this variant (Variation ID: 1999535). Algorithms developed to predict the effect of sequence changes on RNA splicing suggest that this variant is not likely to affect RNA splicing. In summary, the available evidence is currently insufficient to determine the role of this variant in disease. Therefore, it has been classified as a Variant of Uncertain Significance.

Literature cited by the submitters: PubMed 30526861; PubMed 34107977.

NM_001165963.4(SCN1A):c.4002+2579T>C

Genes: SCN1A (sodium voltage-gated channel alpha subunit 1; minus strand), LOC102724058 (uncharacterized LOC102724058; plus strand). Cytogenetic location: 2q24.3.
Variant type: single nucleotide variant.
Coding change: c.4002+2579T>C on transcript NM_001165963.4 (MANE Select); 2579 bases into the intron after coding-DNA position 4002, T replaced by C.
Molecular consequence: intron variant.
Genome position (GRCh38, 1-based): chr2:166,007,140, A>G on the plus strand (T>C on the coding strand, the complement: SCN1A is on the minus strand). VCF-style: chr2-166007140-A-G. GRCh37 (hg19) VCF-style: chr2-166863650-A-G.
Other names: c.3969+2579T>C (NM_001353949.2, NM_001353950.2, NM_001353951.2 and 2 more transcripts); c.3918+2579T>C (NM_001353958.2, NM_001353957.2, NM_001165964.3); c.4002+2579T>C (NM_001202435.3, NM_001353948.2); c.3966+2579T>C (NM_001353955.2, NM_001353954.2); c.3915+2579T>C (NM_001353960.2); c.1560+2579T>C (NM_001353961.2).
Identifiers: ClinVar variation 1999535 (VCV001999535.4), dbSNP rs947601907, ClinGen allele CA59771511.